The following is an entry in ClinVar:

ClinVar aggregate classification (germline): Pathogenic (1 of 4 stars; one submission).

Conditions:
Duchenne muscular dystrophy (DMD). Also called: MUSCULAR DYSTROPHY, PSEUDOHYPERTROPHIC PROGRESSIVE, DUCHENNE TYPE; Duchenne Muscular Dystrophy (DMD). Identifiers: Orphanet 98896, MedGen C0013264, MONDO:0010679, OMIM 310200.

Submission:

Labcorp Genetics (formerly Invitae), Labcorp
Classification: Pathogenic for Duchenne muscular dystrophy. Last evaluated: 2022-12-10. Review status: criteria provided, single submitter. Criteria: Invitae Variant Classification Sherloc (09022015). Collection method: clinical testing. Allele origin: germline.
Comment: This variant is a gross deletion of the genomic region encompassing exon(s) 10-42 of the DMD gene. This variant would be expected to be in-frame, preserving the integrity of the reading frame. A similar copy number variant has been observed in individual(s) with Duchenne or Becker muscular dystrophy (PMID: 16030524). For these reasons, this variant has been classified as Pathogenic. This variant disrupts a region of the DMD protein in which other variant(s) (Deletion (Exons 10-29)) have been determined to be pathogenic (PMID: 20036901, 22776072). This suggests that this is a clinically significant region of the protein, and that variants that disrupt it are likely to be disease-causing.

Literature cited by the submitters: PubMed 16030524; PubMed 20036901; PubMed 22776072.

NC_000023.11:g.(?_32310062)_(32651077_?)del

Genes: DMD (dystrophin; minus strand), MIR3915 (microRNA 3915; minus strand), MIR548F5 (microRNA 548f-5; minus strand). Cytogenetic location: Xp21.1.
Variant type: Deletion.
Identifiers: ClinVar variation 649627 (VCV000649627.8).